The following is an entry in ClinVar:

NM_002880.4(RAF1):c.418A>C (p.Asn140His)

Gene: RAF1 (Raf-1 proto-oncogene, serine/threonine kinase; minus strand). Cytogenetic location: 3p25.2.
Variant type: single nucleotide variant.
Coding change: c.418A>C on transcript NM_002880.4 (MANE Select); coding-DNA position 418, A replaced by C.
Protein change: p.Asn140His; replaces asparagine 140 with histidine.
Molecular consequence: missense variant. On other transcripts: non-coding transcript variant (3).
Genome position (GRCh38, 1-based): chr3:12,609,238, T>G on the plus strand (A>C on the coding strand, the complement: RAF1 is on the minus strand). VCF-style: chr3-12609238-T-G. GRCh37 (hg19) VCF-style: chr3-12650737-T-G.
Other names: p.N140H:AAC>CAC; c.418A>C, p.Asn140His (NM_001354689.3, NM_001354690.3, NM_001354693.3); c.175A>C, p.Asn59His (NM_001354691.3, NM_001354692.3, NM_001354694.3 and 1 more transcripts); short protein forms N140H, N59H.
Identifiers: ClinVar variation 40590 (VCV000040590.2), dbSNP rs730881009, ClinGen allele CA297148.

ClinVar aggregate classification (germline): Likely pathogenic (1 of 4 stars; one submission).

Submission:

GeneDx
Classification: Likely pathogenic. Last evaluated: 2012-10-03. Review status: criteria provided, single submitter. Criteria: GeneDx Variant Classification (06012015). Collection method: clinical testing. Allele origin: germline. Affected: yes.
Comment: p.Asn140His (AAC>CAC):c.418 A>C in exon 4 of the RAF1 gene (NM_002880.3) A variant of unknown significance, likely disease-causing, has been identified. The N140H missense substitution has not been published as a mutation, nor has it been reported as a benign polymorphism, to our knowledge. N140H represents a non-conservative amino acid substitution, as a neutral, polar Asparagine residue is replaced with a positively charged Histidine residue. The position in the RAF1 protein where this substitution occurs is highly conserved among species. The NHLBI ESP Exome Variant Server reports that N140H was not observed in approximately 6,000 individuals of European and African American backgrounds, indicating it is not a common benign variant in these populations. Albeit this variant lies outside the reported mutation hotspots in the RAF1 gene, with the nearest published mutation being R191I, two other de novo missense changes in nearby codons, Phe130 and Phe151, have been observed in individuals referred for Noonan syndrome testing. Therefore, N140H is a strong candidate for a disease-causing mutation, although the possibility that it is a benign polymorphism cannot be completely excluded. The variant is found in NOONAN panel(s).